The following is an entry in ClinVar:

ClinVar aggregate classification (germline): Pathogenic. Review status: criteria provided, multiple submitters, no conflicts (2 of 4 stars). 3 submissions from 3 submitters: Pathogenic (3). Last evaluated 2024-06-05.

Conditions:
Polyglandular autoimmune syndrome, type 1 (APS1). Also called: Autoimmune polyendocrine syndrome type 1; Autoimmune polyendocrinopathy syndrome, type I; HYPOADRENOCORTICISM WITH HYPOPARATHYROIDISM AND SUPERFICIAL MONILIASIS; PGA I; APS I; AUTOIMMUNE POLYENDOCRINE SYNDROME, TYPE I, WITH OR WITHOUT REVERSIBLE METAPHYSEAL DYSPLASIA. Identifiers: Orphanet 3453, MedGen C0085859, MONDO:0009411, OMIM 240300.

gnomAD v4.1: 8 of 1,560,312 alleles (0.00051%); highest among the groups gnomAD compares: Non-Finnish European, 0.00069%; no homozygotes.

Submissions (3):

Fulgent Genetics
Classification: Pathogenic for Polyglandular autoimmune syndrome, type 1. Last evaluated: 2024-06-05. Review status: criteria provided, single submitter. Criteria: ACMG Guidelines, 2015. Collection method: clinical testing. Allele origin: germline.

Natera, Inc.
Classification: Pathogenic for Polyglandular autoimmune syndrome type 1. Last evaluated: 2024-05-18. Review status: criteria provided, single submitter. Criteria: Natera Variant Classification Schema (03/2026). Collection method: clinical testing. Allele origin: germline.
Comment: The c.1273C>T variant in AIRE is a nonsense variant predicted to introduce a stop codon at amino acid 425. This variant is expected to result in nonsense mediated decay, truncation, or a dysfunctional protein product. This variant is rare in the general population with a frequency below the threshold expected for the associated phenotype(s). This variant has been observed in one or more individuals affected with the associated recessive disease, as either homozygous or compound heterozygous with a second variant (PMID: 32531373). Given the available evidence, this variant is classified as Pathogenic.

Labcorp Genetics (formerly Invitae), Labcorp
Classification: Pathogenic for Polyglandular autoimmune syndrome, type 1. Last evaluated: 2022-02-01. Review status: criteria provided, single submitter. Criteria: Invitae Variant Classification Sherloc (09022015). Collection method: clinical testing. Allele origin: germline.
Comment: ClinVar contains an entry for this variant (Variation ID: 648772). For these reasons, this variant has been classified as Pathogenic. This premature translational stop signal has been observed in individual(s) with primary immunodeficiencies (PMID: 32531373). This variant is not present in population databases (gnomAD no frequency). This sequence change creates a premature translational stop signal (p.Gln425*) in the AIRE gene. It is expected to result in an absent or disrupted protein product. Loss-of-function variants in AIRE are known to be pathogenic (PMID: 11524731, 26141571).

Literature cited by the submitters: PubMed 32531373 (cited by Natera, Inc. and Labcorp Genetics (formerly Invitae), Labcorp); PubMed 11524731 (cited by Labcorp Genetics (formerly Invitae), Labcorp); PubMed 26141571 (cited by Labcorp Genetics (formerly Invitae), Labcorp).

NM_000383.4(AIRE):c.1273C>T (p.Gln425Ter)

Gene: AIRE (autoimmune regulator; plus strand). Cytogenetic location: 21q22.3.
Variant type: single nucleotide variant.
Coding change: c.1273C>T on transcript NM_000383.4 (MANE Select); coding-DNA position 1273, C replaced by T.
Protein change: p.Gln425Ter; replaces glutamine 425 with a stop codon.
Molecular consequence: nonsense.
Genome position (GRCh38, 1-based): chr21:44,293,170, C>T. VCF-style: chr21-44293170-C-T. GRCh37 (hg19) VCF-style: chr21-45713053-C-T.
Other names: short protein forms Q425*.
Identifiers: ClinVar variation 648772 (VCV000648772.10), dbSNP rs1601969308, ClinGen allele CA410425580.